The following is an entry in ClinVar:

ClinVar aggregate classification (germline): Uncertain significance (1 of 4 stars; one submission).

Conditions:
Megalencephaly-polymicrogyria-polydactyly-hydrocephalus syndrome 1 (MPPH1). Also called: MEGALENCEPHALY, MEGA CORPUS CALLOSUM, AND COMPLETE LACK OF MOTOR DEVELOPMENT; MEGALENCEPHALY, POLYMICROGYRIA, MEGA CORPUS CALLOSUM SYNDROME. Identifiers: Orphanet 83473, MedGen C4012727, MONDO:0011313, OMIM 603387.

Submission:

Centre for Mendelian Genomics, University Medical Centre Ljubljana
Classification: Uncertain significance for Megalencephaly-polymicrogyria-polydactyly-hydrocephalus syndrome 1. Last evaluated: 2018-10-10. Review status: criteria provided, single submitter. Criteria: ACMG Guidelines, 2015. Collection method: clinical testing. Allele origin: unknown. Affected: yes.
Comment: This variant was classified as: Uncertain significance. The available evidence on this variant's pathogenicity is insufficient or conflicting. The following ACMG criteria were applied in classifying this variant: PM2.

NM_005027.4(PIK3R2):c.1809-3_1809-2insCCCCCCG

Gene: PIK3R2 (phosphoinositide-3-kinase regulatory subunit 2; plus strand). Cytogenetic location: 19p13.11.
Variant type: Insertion.
Coding change: c.1809-3_1809-2insCCCCCCG on transcript NM_005027.4 (MANE Select); 3 bases into the intron before coding-DNA position 1809 through the canonical splice acceptor site of the intron before coding-DNA position 1809, CCCCCCG inserted.
Molecular consequence: splice acceptor variant.
Genome position: GRCh38 VCF-style: chr19-18168723-C-CCCCCCCG. GRCh37 (hg19) VCF-style: chr19-18279533-C-CCCCCCCG.
Identifiers: ClinVar variation 931214 (VCV000931214.3), dbSNP rs2043834247, ClinGen allele CA1139666347.